The following is an entry in ClinVar:

ClinVar aggregate classification (germline): Uncertain significance (1 of 4 stars; one submission).

Conditions:
Cataract 31 multiple types (CTRCT31). Also called: CATARACT 31, POSTERIOR POLAR. Identifiers: Orphanet 91492, MedGen C1854311, MONDO:0011547, OMIM 605387.

Allele frequency attached by ClinVar (database versions not stated): gnomAD exomes below 0.00001.
gnomAD v4.1: 1 of 1,614,210 alleles (0.000062%); highest among the groups gnomAD compares: Non-Finnish European, 0.000085%; no homozygotes.

Submission:

Labcorp Genetics (formerly Invitae), Labcorp
Classification: Uncertain significance for Cataract 31 multiple types. Last evaluated: 2024-03-12. Review status: criteria provided, single submitter. Criteria: Invitae Variant Classification Sherloc (09022015). Collection method: clinical testing. Allele origin: germline.
Comment: This sequence change replaces glutamic acid, which is acidic and polar, with lysine, which is basic and polar, at codon 104 of the CHMP4B protein (p.Glu104Lys). This variant is not present in population databases (gnomAD no frequency). This variant has not been reported in the literature in individuals affected with CHMP4B-related conditions. An algorithm developed to predict the effect of missense changes on protein structure and function (PolyPhen-2) suggests that this variant is likely to be disruptive. In summary, the available evidence is currently insufficient to determine the role of this variant in disease. Therefore, it has been classified as a Variant of Uncertain Significance.

NM_176812.5(CHMP4B):c.310G>A (p.Glu104Lys)

Gene: CHMP4B (charged multivesicular body protein 4B; plus strand). Cytogenetic location: 20q11.22.
Variant type: single nucleotide variant.
Coding change: c.310G>A on transcript NM_176812.5 (MANE Select); coding-DNA position 310, G replaced by A.
Protein change: p.Glu104Lys; replaces glutamic acid 104 with lysine.
Molecular consequence: missense variant.
Genome position (GRCh38, 1-based): chr20:33,848,586, G>A. VCF-style: chr20-33848586-G-A. GRCh37 (hg19) VCF-style: chr20-32436392-G-A.
Other names: short protein forms E104K.
Identifiers: ClinVar variation 2985085 (VCV002985085.3), dbSNP rs2122814758, ClinGen allele CA408920228.
Genomic context (GRCh38, chr20:33,848,586, plus strand): 5'-GGCACATTATCAACCATCGAGTTCCAGCGGGAGGCCCTGGAGAATGCCAACACCAACACC[G>A]AGGTGCTCAAGAACATGGGCTATGCCGCCAAGGCCATGAAGGCGGCCCATGACAACATGT-3'
Protein context (NP_789782.1, residues 94-114): EALENANTNT[Glu104Lys]VLKNMGYAAK